The following is an entry in ClinVar:

NM_000492.4(CFTR):c.592G>T (p.Ala198Ser)

Gene: CFTR (CF transmembrane conductance regulator; plus strand). Cytogenetic location: 7q31.2.
Variant type: single nucleotide variant.
Coding change: c.592G>T on transcript NM_000492.4 (MANE Select); coding-DNA position 592, G replaced by T.
Protein change: p.Ala198Ser; replaces alanine 198 with serine.
Molecular consequence: missense variant.
Genome position (GRCh38, 1-based): chr7:117,535,260, G>T. VCF-style: chr7-117535260-G-T. GRCh37 (hg19) VCF-style: chr7-117175314-G-T.
Other names: short protein forms A198S.
Identifiers: ClinVar variation 1750566 (VCV001750566.2), dbSNP rs193922529, ClinGen allele CA368976743.

ClinVar aggregate classification (germline): Uncertain significance (1 of 4 stars; one submission).

Conditions:
Cystic fibrosis (CF). Also called: MUCOVISCIDOSIS. Identifiers: Orphanet 586, MedGen C0010674, MONDO:0009061, OMIM 219700. Disease mechanism: loss of function.

Submission:

Ambry Genetics
Classification: Uncertain significance for Cystic fibrosis. Last evaluated: 2022-05-19. Review status: criteria provided, single submitter. Criteria: Ambry Variant Classification Scheme 2023. Collection method: clinical testing. Allele origin: germline.
Comment: The p.A198S variant (also known as c.592G>T), located in coding exon 6 of the CFTR gene, results from a G to T substitution at nucleotide position 592. The alanine at codon 198 is replaced by serine, an amino acid with similar properties. This amino acid position is conserved. In addition, this alteration is predicted to be deleterious by in silico analysis. Since supporting evidence is limited at this time, the clinical significance of this alteration remains unclear.